The following is an entry in ClinVar:

NM_031206.7(LAS1L):c.1532G>C (p.Gly511Ala)

Gene: LAS1L (LAS1 like ribosome biogenesis factor; minus strand). Cytogenetic location: Xq12.
Variant type: single nucleotide variant.
Coding change: c.1532G>C on transcript NM_031206.7 (MANE Select); coding-DNA position 1532, G replaced by C.
Protein change: p.Gly511Ala; replaces glycine 511 with alanine.
Molecular consequence: missense variant. On other transcripts: non-coding transcript variant (1).
Genome position (GRCh38, 1-based): chrX:65,518,382, C>G on the plus strand (G>C on the coding strand, the complement: LAS1L is on the minus strand). VCF-style: chrX-65518382-C-G. GRCh37 (hg19) VCF-style: chrX-64738262-C-G.
Other names: c.1481G>C, p.Gly494Ala (NM_001170649.2, NM_001375333.1); c.1355G>C, p.Gly452Ala (NM_001170650.2); c.1532G>C, p.Gly511Ala (NM_001375328.1); c.575G>C, p.Gly192Ala (NM_001375332.1); short protein forms G192A, G452A, G494A, G511A.
Identifiers: ClinVar variation 2499843 (VCV002499843.2), dbSNP rs2522504973, ClinGen allele CA413315614.

ClinVar aggregate classification (germline): Uncertain significance (1 of 4 stars; one submission).

Submission:

GeneDx
Classification: Uncertain significance. Last evaluated: 2024-07-26. Review status: criteria provided, single submitter. Criteria: GeneDx Variant Classification Process June 2021. Collection method: clinical testing. Allele origin: germline.
Comment: Not observed at significant frequency in large population cohorts (gnomAD); In silico analysis supports that this missense variant does not alter protein structure/function; Has not been previously published as pathogenic or benign to our knowledge; This variant is associated with the following publications: (PMID: 27535533)